The following is an entry in ClinVar:

NM_006393.3(NEBL):c.434C>T (p.Pro145Leu)

Gene: NEBL (nebulette; minus strand). Cytogenetic location: 10p12.31.
Variant type: single nucleotide variant.
Coding change: c.434C>T on transcript NM_006393.3 (MANE Select); coding-DNA position 434, C replaced by T.
Protein change: p.Pro145Leu; replaces proline 145 with leucine.
Molecular consequence: missense variant. On other transcripts: intron variant (9).
Genome position (GRCh38, 1-based): chr10:20,880,840, G>A on the plus strand (C>T on the coding strand, the complement: NEBL is on the minus strand). VCF-style: chr10-20880840-G-A. GRCh37 (hg19) VCF-style: chr10-21169769-G-A.
Other names: c.250-67900C>T (NM_001377326.1, NM_001377327.1, NM_001377328.1); c.358-67900C>T (NM_213569.2, NM_001173484.2, NM_001377322.1); c.301-67900C>T (NM_001377324.1); c.292-67900C>T (NM_001377325.1); c.310-67900C>T (NM_001377323.1); short protein forms P145L.
Identifiers: ClinVar variation 1005023 (VCV001005023.9), dbSNP rs1845953617, ClinGen allele CA376104539.

ClinVar aggregate classification (germline): Uncertain significance (1 of 4 stars; one submission).

Conditions:
Primary dilated cardiomyopathy (DCM). Also called: Dilated Cardiomyopathy. Identifiers: Orphanet 217604, MedGen C0007193, MeSH D002311, MONDO:0005021, HP:0001644. Inheritance: Various modes of inheritance.

Allele frequency attached by ClinVar (database versions not stated): gnomAD exomes below 0.00001; TOPMed below 0.00001.
gnomAD v4.1: 1 of 1,613,968 alleles (0.000062%); highest among the groups gnomAD compares: Non-Finnish European, 0.000085%; no homozygotes.

Submission:

Labcorp Genetics (formerly Invitae), Labcorp
Classification: Uncertain significance for Primary dilated cardiomyopathy. Last evaluated: 2020-10-16. Review status: criteria provided, single submitter. Criteria: Invitae Variant Classification Sherloc (09022015). Collection method: clinical testing. Allele origin: germline.
Comment: In summary, the available evidence is currently insufficient to determine the role of this variant in disease. Therefore, it has been classified as a Variant of Uncertain Significance. Algorithms developed to predict the effect of missense changes on protein structure and function output the following: SIFT: "Tolerated"; PolyPhen-2: "Benign"; Align-GVGD: "Class C0". The leucine amino acid residue is found in multiple mammalian species, suggesting that this missense change does not adversely affect protein function. These predictions have not been confirmed by published functional studies and their clinical significance is uncertain. This variant has not been reported in the literature in individuals with NEBL-related conditions. This variant is not present in population databases (ExAC no frequency). This sequence change replaces proline with leucine at codon 145 of the NEBL protein (p.Pro145Leu). The proline residue is moderately conserved and there is a moderate physicochemical difference between proline and leucine.